The following is an entry in ClinVar:

NM_032609.3(COX4I2):c.412G>A (p.Glu138Lys)

Gene: COX4I2 (cytochrome c oxidase subunit 4I2; plus strand). Cytogenetic location: 20q11.21.
Variant type: single nucleotide variant.
Coding change: c.412G>A on transcript NM_032609.3 (MANE Select); coding-DNA position 412, G replaced by A.
Protein change: p.Glu138Lys; replaces glutamic acid 138 with lysine.
Molecular consequence: missense variant.
Genome position (GRCh38, 1-based): chr20:31,644,800, G>A. VCF-style: chr20-31644800-G-A. GRCh37 (hg19) VCF-style: chr20-30232603-G-A.
Other names: short protein forms E138K.
Identifiers: ClinVar variation 2655 (VCV000002655.13), dbSNP rs119455950, ClinGen allele CA115666.

ClinVar aggregate classification (germline): Uncertain significance. Review status: criteria provided, multiple submitters, no conflicts (2 of 4 stars). 4 submissions from 4 submitters: Uncertain significance (3). 1 of the submissions does not count toward it. Last evaluated 2025-12-08.

Conditions:
Pancreatic insufficiency-anemia-hyperostosis syndrome. Identifiers: Orphanet 199337, MedGen C2675184, MONDO:0012992, OMIM 612714.

Allele frequency attached by ClinVar (database versions not stated): 1000 Genomes Project 0.00160; 1000 Genomes Project 30x 0.00187; gnomAD 0.00206 and 0.00218; TOPMed 0.00222.
gnomAD v4.1: 636 of 1,614,062 alleles (0.039%); highest among the groups gnomAD compares: African/African-American, 0.72%; 2 homozygotes.

Submissions (4):

Labcorp Genetics (formerly Invitae), Labcorp
Classification: Uncertain significance. Last evaluated: 2025-12-08. Review status: criteria provided, single submitter. Criteria: Invitae Variant Classification Sherloc (09022015). Collection method: clinical testing. Allele origin: germline.
Comment: This sequence change replaces glutamic acid, which is acidic and polar, with lysine, which is basic and polar, at codon 138 of the COX4I2 protein (p.Glu138Lys). This variant is present in population databases (rs119455950, gnomAD 0.7%), and has an allele count higher than expected for a pathogenic variant. This missense change has been observed in individual(s) with COX4I2-related conditions (PMID: 19268275). It has also been observed to segregate with disease in related individuals. ClinVar contains an entry for this variant (Variation ID: 2655). An algorithm developed to predict the effect of missense changes on protein structure and function (PolyPhen-2) suggests that this variant is likely to be tolerated. Studies have shown that this missense change alters COX4I2 gene expression (PMID: 19268275). In summary, the available evidence is currently insufficient to determine the role of this variant in disease. Therefore, it has been classified as a Variant of Uncertain Significance.

Eurofins Ntd Llc (ga)
Classification: Uncertain significance. Last evaluated: 2016-02-02. Review status: criteria provided, single submitter. Criteria: EGL Classification Definitions 2015. Collection method: clinical testing. Allele origin: germline. Observed: 3 variant alleles, 3 heterozygotes.

Breakthrough Genomics
Classification: Uncertain significance. Review status: criteria provided, single submitter. Criteria: ACMG Guidelines, 2015. Collection method: not provided. Allele origin: germline. Inheritance: Autosomal dominant inheritance. Affected: yes.

OMIM
Classification: Pathogenic for EXOCRINE PANCREATIC INSUFFICIENCY, DYSERYTHROPOIETIC ANEMIA, AND CALVARIAL HYPEROSTOSIS. Last evaluated: 2009-03-01. Review status: no assertion criteria provided. Collection method: literature only. Allele origin: germline. Not counted in ClinVar's aggregate classification.

Literature cited by the submitters: PubMed 19268275 (cited by Labcorp Genetics (formerly Invitae), Labcorp and OMIM).